The following is an entry in ClinVar:

NM_017654.4(SAMD9):c.3011A>G (p.Lys1004Arg)

Gene: SAMD9 (sterile alpha motif domain containing 9; minus strand). Cytogenetic location: 7q21.2.
Variant type: single nucleotide variant.
Coding change: c.3011A>G on transcript NM_017654.4 (MANE Select); coding-DNA position 3011, A replaced by G.
Protein change: p.Lys1004Arg; replaces lysine 1004 with arginine.
Molecular consequence: missense variant.
Genome position (GRCh38, 1-based): chr7:93,103,087, T>C on the plus strand (A>G on the coding strand, the complement: SAMD9 is on the minus strand). VCF-style: chr7-93103087-T-C. GRCh37 (hg19) VCF-style: chr7-92732400-T-C.
Other names: c.3011A>G, p.Lys1004Arg (NM_001193307.2); short protein forms K1004R.
Identifiers: ClinVar variation 4863881 (VCV004863881.1).

ClinVar aggregate classification (germline): Uncertain significance (1 of 4 stars; one submission).

Conditions:
Inborn genetic diseases. Identifiers: MedGen C0950123, MeSH D030342.

Submission:

Ambry Genetics
Classification: Uncertain significance for Inborn genetic diseases. Last evaluated: 2026-05-30. Review status: criteria provided, single submitter. Criteria: Ambry Variant Classification Scheme 2023. Collection method: clinical testing. Allele origin: germline.
Comment: The p.K1004R variant (also known as c.3011A>G), located in coding exon 1 of the SAMD9 gene, results from an A to G substitution at nucleotide position 3011. The lysine at codon 1004 is replaced by arginine, an amino acid with highly similar properties. This amino acid position is conserved. In addition, this alteration is predicted to be tolerated by in silico analysis. Based on the available evidence, the clinical significance of this variant remains unclear.